The following is an entry in ClinVar:

ClinVar aggregate classification (germline): Uncertain significance (1 of 4 stars; one submission).

Submission:

Ambry Genetics
Classification: Uncertain significance. Last evaluated: 2024-12-15. Review status: criteria provided, single submitter. Criteria: Ambry Variant Classification Scheme 2023. Collection method: clinical testing. Allele origin: germline.
Comment: The p.F159L variant (also known as c.477C>A), located in coding exon 3 of the GEN1 gene, results from a C to A substitution at nucleotide position 477. The phenylalanine at codon 159 is replaced by leucine, an amino acid with highly similar properties. This amino acid position is conserved. In addition, the in silico prediction for this alteration is inconclusive. Based on the available evidence, the clinical significance of this variant remains unclear.

NM_001130009.3(GEN1):c.477C>A (p.Phe159Leu)

Gene: GEN1 (GEN1 Holliday junction 5' flap endonuclease; plus strand). Cytogenetic location: 2p24.2.
Variant type: single nucleotide variant.
Coding change: c.477C>A on transcript NM_001130009.3 (MANE Select); coding-DNA position 477, C replaced by A.
Protein change: p.Phe159Leu; replaces phenylalanine 159 with leucine.
Molecular consequence: missense variant.
Genome position (GRCh38, 1-based): chr2:17,765,025, C>A. VCF-style: chr2-17765025-C-A. GRCh37 (hg19) VCF-style: chr2-17946292-C-A.
Other names: c.477C>A, p.Phe159Leu (NM_182625.5); short protein forms F159L.
Identifiers: ClinVar variation 3853432 (VCV003853432.1).